The following is an entry in ClinVar:

NM_000059.4(BRCA2):c.10131A>T (p.Glu3377Asp)

Gene: BRCA2 (BRCA2 DNA repair associated; plus strand). Cytogenetic location: 13q13.1.
Variant type: single nucleotide variant.
Coding change: c.10131A>T on transcript NM_000059.4 (MANE Select); coding-DNA position 10131, A replaced by T.
Protein change: p.Glu3377Asp; replaces glutamic acid 3377 with aspartic acid.
Molecular consequence: missense variant.
Genome position (GRCh38, 1-based): chr13:32,398,644, A>T. VCF-style: chr13-32398644-A-T. GRCh37 (hg19) VCF-style: chr13-32972781-A-T.
Other names: short protein forms E3377D.
Identifiers: ClinVar variation 483039 (VCV000483039.6), dbSNP rs1064793835, ClinGen allele CA387768097.

ClinVar aggregate classification (germline): Uncertain significance. Review status: criteria provided, multiple submitters, no conflicts (2 of 4 stars). 2 submissions from 2 submitters: Uncertain significance (2). Last evaluated 2025-10-23.

Conditions:
Hereditary breast ovarian cancer syndrome. Also called: Hereditary breast and ovarian cancer syndrome; Hereditary breast and ovarian cancer; Hereditary breast and ovarian cancer syndrome (HBOC); Breast and ovarian cancer; Hereditary breast and/or ovarian cancer syndrome; BRCA1- and BRCA2-Associated Hereditary Breast and Ovarian Cancer. Identifiers: Orphanet 145, MedGen C0677776, MeSH D061325, MONDO:0003582. Disease mechanism: loss of function.
Hereditary cancer-predisposing syndrome. Also called: Neoplastic Syndromes, Hereditary; Tumor predisposition; Hereditary Cancer Syndrome; Hereditary neoplastic syndrome. Identifiers: Orphanet 140162, MedGen C0027672, MeSH D009386, MONDO:0015356.

Submissions (2):

Labcorp Genetics (formerly Invitae), Labcorp
Classification: Uncertain significance for Hereditary breast ovarian cancer syndrome. Last evaluated: 2025-10-23. Review status: criteria provided, single submitter. Criteria: Invitae Variant Classification Sherloc (09022015). Collection method: clinical testing. Allele origin: germline.
Comment: This sequence change replaces glutamic acid, which is acidic and polar, with aspartic acid, which is acidic and polar, at codon 3377 of the BRCA2 protein (p.Glu3377Asp). This variant is not present in population databases (gnomAD no frequency). This missense change has been observed in individual(s) with BRCA2-related conditions (PMID: 14973102, 30287823, 30415210). ClinVar contains an entry for this variant (Variation ID: 483039). Invitae Evidence Modeling of protein sequence and biophysical properties (such as structural, functional, and spatial information, amino acid conservation, physicochemical variation, residue mobility, and thermodynamic stability) indicates that this missense variant is not expected to disrupt BRCA2 protein function with a negative predictive value of 95%. In summary, the available evidence is currently insufficient to determine the role of this variant in disease. Therefore, it has been classified as a Variant of Uncertain Significance.

Ambry Genetics
Classification: Uncertain significance for Hereditary cancer-predisposing syndrome. Last evaluated: 2016-07-06. Review status: criteria provided, single submitter. Criteria: Ambry Variant Classification Scheme 2023. Collection method: clinical testing. Allele origin: germline.
Comment: The p.E3377D variant (also known as c.10131A>T), located in coding exon 26 of the BRCA2 gene, results from an A to T substitution at nucleotide position 10131. The glutamic acid at codon 3377 is replaced by aspartic acid, an amino acid with highly similar properties. This variant was not reported in population based cohorts in the following databases: Database of Single Nucleotide Polymorphisms (dbSNP), NHLBI Exome Sequencing Project (ESP), and 1000 Genomes Project. In the ESP, this variant was not observed in 6503 samples (13006 alleles) with coverage at this position. To date, this alteration has been detected with an allele frequency of approximately 0.0003% (greater than 300000 alleles tested) in our clinical cohort. This amino acid position is poorly conserved in available vertebrate species. In addition, this alteration is predicted to be tolerated by in silico analysis. Since supporting evidence is limited at this time, the clinical significance of this alteration remains unclear.

Literature cited by the submitters: PubMed 14973102 (cited by Labcorp Genetics (formerly Invitae), Labcorp); PubMed 30287823 (cited by Labcorp Genetics (formerly Invitae), Labcorp); PubMed 30415210 (cited by Labcorp Genetics (formerly Invitae), Labcorp).